The following is an entry in ClinVar:

ClinVar aggregate classification (germline): Pathogenic. Review status: criteria provided, multiple submitters, no conflicts (2 of 4 stars). 2 submissions from 2 submitters: Pathogenic (2). Last evaluated 2022-07-29.

Conditions:
Hereditary cancer-predisposing syndrome. Also called: Hereditary neoplastic syndrome; Tumor predisposition; Neoplastic Syndromes, Hereditary; Hereditary Cancer Syndrome. Identifiers: Orphanet 140162, MedGen C0027672, MeSH D009386, MONDO:0015356.
Gorlin syndrome. Also called: Nevoid Basal Cell Carcinoma Syndrome; Basal cell nevus syndrome. Identifiers: Orphanet 377, MedGen C0004779, MONDO:0007187.

Submissions (2):

Labcorp Genetics (formerly Invitae), Labcorp
Classification: Pathogenic for Gorlin syndrome. Last evaluated: 2022-07-29. Review status: criteria provided, single submitter. Criteria: Invitae Variant Classification Sherloc (09022015). Collection method: clinical testing. Allele origin: germline.
Comment: For these reasons, this variant has been classified as Pathogenic. ClinVar contains an entry for this variant (Variation ID: 428831). This premature translational stop signal has been observed in individual(s) with basal cell nevus syndrome (PMID: 29575684). This variant is not present in population databases (gnomAD no frequency). This sequence change creates a premature translational stop signal (p.Leu1047*) in the PTCH1 gene. It is expected to result in an absent or disrupted protein product. Loss-of-function variants in PTCH1 are known to be pathogenic (PMID: 16301862, 16419085).

Ambry Genetics
Classification: Pathogenic for Hereditary cancer-predisposing syndrome. Last evaluated: 2015-04-29. Review status: criteria provided, single submitter. Criteria: Ambry Variant Classification Scheme 2023. Collection method: clinical testing. Allele origin: germline.
Comment: The c.3139_3142delCTTC pathogenic mutation, located in coding exon 18 of the PTCH1 gene, results from a deletion of 4 nucleotides between nucleotide positions 3139 and 3142, causing a translational frameshift with a predicted alternate stop codon. Since frameshifts are typically deleterious in nature, this alteration is interpreted as a disease-causing mutation (ACMG Recommendations for Standards for Interpretation and Reporting of Sequence Variations. Revision 2007. Genet Med. 2008;10:294).

Literature cited by the submitters: PubMed 29575684 (cited by Labcorp Genetics (formerly Invitae), Labcorp); PubMed 16301862 (cited by Labcorp Genetics (formerly Invitae), Labcorp); PubMed 16419085 (cited by Labcorp Genetics (formerly Invitae), Labcorp).

NM_000264.5(PTCH1):c.3139_3142del (p.Phe1046_Leu1047insTer)

Gene: PTCH1 (patched 1; minus strand). Cytogenetic location: 9q22.32.
Variant type: Microsatellite.
Coding change: c.3139_3142del on transcript NM_000264.5 (MANE Select); coding-DNA positions 3139 to 3142, 4 bases deleted (CTTC; older notation c.3139_3142delCTTC).
Protein change: p.Phe1046_Leu1047insTer.
Molecular consequence: nonsense. On other transcripts: non-coding transcript variant (1).
Genome position (GRCh38, 1-based): chr9:95,458,039-95,458,042, GAAG deleted on the plus strand (CTTC on the coding strand, the reverse complement: PTCH1 is on the minus strand); deleting any 4 consecutive bases within chr9:95,458,039-95,458,046 gives the same sequence; the c. name uses the placement nearest the transcript's 3' end. VCF-style (leftmost placement, unchanged base first): chr9-95458038-AGAAG-A. GRCh37 (hg19) VCF-style: chr9-98220320-AGAAG-A.
Other names: c.2941_2944del, p.Phe980_Leu981insTer (NM_001083602.3); c.3136_3139del, p.Phe1045_Leu1046insTer (NM_001083603.3); c.2686_2689del, p.Phe895_Leu896insTer (NM_001083604.3, NM_001083605.3, NM_001083606.3 and 1 more transcripts); c.2983_2986del, p.Phe994_Leu995insTer (NM_001354918.2).
Identifiers: ClinVar variation 428831 (VCV000428831.10), dbSNP rs1131690980, ClinGen allele CA645369448.